The following is an entry in ClinVar:

ClinVar aggregate classification (germline): Uncertain significance. Review status: criteria provided, multiple submitters, no conflicts (2 of 4 stars). 2 submissions from 2 submitters: Uncertain significance (2). Last evaluated 2021-08-28.

Conditions:
Usher syndrome type 1 (USH1). Also called: RETINITIS PIGMENTOSA AND CONGENITAL DEAFNESS. Identifiers: Orphanet 231169, Orphanet 886, MedGen C1568247, MONDO:0010168, OMIM 276900.

Allele frequency attached by ClinVar (database versions not stated): gnomAD 0.00001; TOPMed 0.00001; gnomAD exomes 0.00002; ExAC 0.00001.
gnomAD v4.1: 33 of 1,613,500 alleles (0.002%); highest among the groups gnomAD compares: Non-Finnish European, 0.0028%; no homozygotes.

Submissions (2):

Labcorp Genetics (formerly Invitae), Labcorp
Classification: Uncertain significance. Last evaluated: 2021-08-28. Review status: criteria provided, single submitter. Criteria: Invitae Variant Classification Sherloc (09022015). Collection method: clinical testing. Allele origin: germline.
Comment: This sequence change replaces histidine with arginine at codon 1462 of the PCDH15 protein (p.His1462Arg). The histidine residue is moderately conserved and there is a small physicochemical difference between histidine and arginine. This variant is present in population databases (rs781324011, ExAC 0.002%). This variant has not been reported in the literature in individuals affected with PCDH15-related conditions. Algorithms developed to predict the effect of missense changes on protein structure and function (SIFT, PolyPhen-2, Align-GVGD) all suggest that this variant is likely to be tolerated. In summary, the available evidence is currently insufficient to determine the role of this variant in disease. Therefore, it has been classified as a Variant of Uncertain Significance.

Illumina Laboratory Services, Illumina
Classification: Uncertain significance for Usher syndrome type 1. Last evaluated: 2018-01-12. Review status: criteria provided, single submitter. Criteria: ICSL Variant Classification Criteria 13 December 2019. Collection method: clinical testing. Allele origin: germline.

NM_033056.4(PCDH15):c.4385A>G (p.His1462Arg)

Gene: PCDH15 (protocadherin related 15; minus strand). Cytogenetic location: 10q21.1.
Variant type: single nucleotide variant.
Coding change: c.4385A>G on transcript NM_033056.4 (MANE Plus Clinical); coding-DNA position 4385, A replaced by G.
Protein change: p.His1462Arg; replaces histidine 1462 with arginine.
Molecular consequence: missense variant. On other transcripts: intron variant (8).
Genome position (GRCh38, 1-based): chr10:53,823,341, T>C on the plus strand (A>G on the coding strand, the complement: PCDH15 is on the minus strand). VCF-style: chr10-53823341-T-C. GRCh37 (hg19) VCF-style: chr10-55583101-T-C.
Other names: c.4406A>G, p.His1469Arg (NM_001142763.2); c.4391A>G, p.His1464Arg (NM_001142764.2); c.4178A>G, p.His1393Arg (NM_001142765.2); c.4376A>G, p.His1459Arg (NM_001142766.2); c.4265A>G, p.His1422Arg (NM_001142767.2); c.4325A>G, p.His1442Arg (NM_001142768.2); c.4316A>G, p.His1439Arg (NM_001142773.2); c.4319A>G, p.His1440Arg (NM_001354404.2); and 6 more; short protein forms H1462R, H1469R, H1393R, H1442R, H1439R, H1422R, H1440R, H1459R.
Identifiers: ClinVar variation 877331 (VCV000877331.5), dbSNP rs781324011, ClinGen allele CA5505294.